The following is an entry in ClinVar:

ClinVar aggregate classification (germline): Benign. Review status: criteria provided, multiple submitters, no conflicts (2 of 4 stars). 7 submissions from 7 submitters: Benign (5). 2 of the submissions do not count toward it. Last evaluated 2026-02-04.

Conditions:
Hyperlipidemia due to hepatic triglyceride lipase deficiency. Also called: LIPC DEFICIENCY. Identifiers: Orphanet 140905, MedGen C3151466, MONDO:0013533, OMIM 614025.

Allele frequency attached by ClinVar (database versions not stated): 1000 Genomes Project 0.93610; 1000 Genomes Project 30x 0.93707; gnomAD 0.94349 and 0.94547; TOPMed 0.94521; ESP Exome Variant Server 0.94533; ExAC 0.96875; gnomAD exomes 0.97205 and 0.97444.
gnomAD v4.1: 1,186,931 of 1,222,610 alleles (97%); highest among the groups gnomAD compares: Admixed American, 99%; 576,991 homozygotes.

Submissions (7):

Labcorp Genetics (formerly Invitae), Labcorp
Classification: Benign. Last evaluated: 2026-02-04. Review status: criteria provided, single submitter. Criteria: Invitae Variant Classification Sherloc (09022015). Collection method: clinical testing. Allele origin: germline.

Mayo Clinic Laboratories, Mayo Clinic
Classification: Benign. Last evaluated: 2022-03-20. Review status: criteria provided, single submitter. Criteria: ACMG Guidelines, 2015. Collection method: clinical testing. Allele origin: germline. Observed: 95 variant alleles.
Comment: BA1

GeneDx
Classification: Benign. Last evaluated: 2018-08-30. Review status: criteria provided, single submitter. Criteria: GeneDx Variant Classification Process June 2021. Collection method: clinical testing. Allele origin: germline. Affected: yes.
Comment: This variant is associated with the following publications: (PMID: 27884173, 8732782, 20981092, 19428034)

Illumina Laboratory Services, Illumina
Classification: Benign for Hyperlipidemia due to hepatic triglyceride lipase deficiency. Last evaluated: 2018-03-06. Review status: criteria provided, single submitter. Criteria: ICSL Variant Classification Criteria 13 December 2019. Collection method: clinical testing. Allele origin: germline.
Comment: This variant was observed in the ICSL laboratory as part of a predisposition screen in an ostensibly healthy population. It had not been previously curated by ICSL or reported in the Human Gene Mutation Database (HGMD: prior to June 1st, 2018), and was therefore a candidate for classification through an automated scoring system. Utilizing variant allele frequency, disease prevalence and penetrance estimates, and inheritance mode, an automated score was calculated to assess if this variant is too frequent to cause the disease. Based on the score and internal cut-off values, a variant classified as benign is not then subjected to further curation. The score for this variant resulted in a classification of benign for this disease.

Breakthrough Genomics
Classification: Benign. Review status: criteria provided, single submitter. Criteria: ACMG Guidelines, 2015. Collection method: not provided. Allele origin: germline. Inheritance: Autosomal recessive inheritance. Affected: yes.

Clinical Genetics, Academic Medical Center
Classification: Benign. Review status: no assertion criteria provided. Collection method: clinical testing. Allele origin: germline. Affected: yes. Study: VKGL Data-share Consensus. Not counted in ClinVar's aggregate classification.

Diagnostic Laboratory, Department of Genetics, University Medical Center Groningen
Classification: Benign. Review status: no assertion criteria provided. Collection method: clinical testing. Allele origin: germline. Affected: yes. Study: VKGL Data-share Consensus. Not counted in ClinVar's aggregate classification.

NM_000236.3(LIPC):c.1068C>A (p.Phe356Leu)

Gene: LIPC (lipase C, hepatic type; plus strand). Cytogenetic location: 15q21.3.
Variant type: single nucleotide variant.
Coding change: c.1068C>A on transcript NM_000236.3 (MANE Select); coding-DNA position 1068, C replaced by A.
Protein change: p.Phe356Leu; replaces phenylalanine 356 with leucine.
Molecular consequence: missense variant.
Genome position (GRCh38, 1-based): chr15:58,560,880, C>A. VCF-style: chr15-58560880-C-A. GRCh37 (hg19) VCF-style: chr15-58853079-C-A.
Other names: short protein forms F356L.
Identifiers: ClinVar variation 316673 (VCV000316673.19), dbSNP rs3829462, ClinGen allele CA7585110.
Genomic context (GRCh38, chr15:58,560,880, plus strand): 5'-TGCTTAAATTATCTCTCTCTTTCTCTCTCTGTCTCTCTCTCTAGTTTATCATTACCAGTT[C>A]AAGATCCAGTTCATCAACCAAACTGAGACACCAATACAAACAACTTTTACCATGTCACTA-3'
Protein context (NP_000227.2, residues 346-366): QSPFKVYHYQ[Phe356Leu]KIQFINQTET